The following is an entry in ClinVar:

ClinVar aggregate classification (germline): Uncertain significance (1 of 4 stars; one submission).

Submission:

GeneDx
Classification: Uncertain significance. Last evaluated: 2012-07-09. Review status: criteria provided, single submitter. Criteria: GeneDx Variant Classification (06012015). Collection method: clinical testing. Allele origin: germline. Affected: yes.
Comment: This variant is denoted p.Thr209Pro (ACT>CCT): c.625 A>C in exon 1 of the PCDH19 gene (NM_001105243.1). The Thr209Pro missense change has not been published as a mutation, nor has it been reported as a benign polymorphism to our knowledge. The NHLBI ESP Exome Variant Project has not identified Thr209Pro in approximately 6,000 individuals of European or African American ethnicity, indicating that it is not a common benign variant in these populations. The amino acid substitution is non-conservative, as a polar Threonine is replaced by a non-polar Proline, and the gain of a bulky Proline may alter the secondary structure of the protein. It alters a position in the fourth extracellular domain of the protein that is conserved across species and in related proteins. Multiple in silico algorithms predict that Thr209Pro is damaging to protein structure/function, but one algorithm classifies it as a non-deleterious change. Therefore, based on the currently available information, it is unclear whether Thr209Pro is a disease-causing mutation or a rare benign variant. The variant is found in EPILEPSY panel(s).

NM_001184880.2(PCDH19):c.625A>C (p.Thr209Pro)

Gene: PCDH19 (protocadherin 19; minus strand). Cytogenetic location: Xq22.1.
Variant type: single nucleotide variant.
Coding change: c.625A>C on transcript NM_001184880.2 (MANE Select); coding-DNA position 625, A replaced by C.
Protein change: p.Thr209Pro; replaces threonine 209 with proline.
Molecular consequence: missense variant.
Genome position (GRCh38, 1-based): chrX:100,407,973, T>G on the plus strand (A>C on the coding strand, the complement: PCDH19 is on the minus strand). VCF-style: chrX-100407973-T-G. GRCh37 (hg19) VCF-style: chrX-99662971-T-G.
Other names: p.T209P:ACT>CCT; c.625A>C, p.Thr209Pro (NM_001105243.2, NM_020766.3); short protein forms T209P.
Identifiers: ClinVar variation 206319 (VCV000206319.2), dbSNP rs796052805, ClinGen allele CA316313.